The following is an entry in ClinVar:

ClinVar aggregate classification (germline): Uncertain significance (1 of 4 stars; one submission).

gnomAD v4.1: 2 of 1,613,512 alleles (0.00012%); highest among the groups gnomAD compares: Non-Finnish European, 0.000085%; no homozygotes.

Submission:

Labcorp Genetics (formerly Invitae), Labcorp
Classification: Uncertain significance. Last evaluated: 2025-04-02. Review status: criteria provided, single submitter. Criteria: Invitae Variant Classification Sherloc (09022015). Collection method: clinical testing. Allele origin: germline.
Comment: This sequence change replaces asparagine, which is neutral and polar, with serine, which is neutral and polar, at codon 152 of the RALA protein (p.Asn152Ser). This variant is not present in population databases (gnomAD no frequency). This variant has not been reported in the literature in individuals affected with RALA-related conditions. Invitae Evidence Modeling of protein sequence and biophysical properties (such as structural, functional, and spatial information, amino acid conservation, physicochemical variation, residue mobility, and thermodynamic stability) indicates that this missense variant is not expected to disrupt RALA protein function with a negative predictive value of 95%. In summary, the available evidence is currently insufficient to determine the role of this variant in disease. Therefore, it has been classified as a Variant of Uncertain Significance.

NM_005402.4(RALA):c.455A>G (p.Asn152Ser)

Gene: RALA (RAS like proto-oncogene A; plus strand). Cytogenetic location: 7p14.1.
Variant type: single nucleotide variant.
Coding change: c.455A>G on transcript NM_005402.4 (MANE Select); coding-DNA position 455, A replaced by G.
Protein change: p.Asn152Ser; replaces asparagine 152 with serine.
Molecular consequence: missense variant.
Genome position (GRCh38, 1-based): chr7:39,696,816, A>G. VCF-style: chr7-39696816-A-G. GRCh37 (hg19) VCF-style: chr7-39736415-A-G.
Other names: short protein forms N152S.
Identifiers: ClinVar variation 4811404 (VCV004811404.1).